The following is an entry in ClinVar:

NM_000264.5(PTCH1):c.4131_4150dup (p.Pro1384fs)

Gene: PTCH1 (patched 1; minus strand). Cytogenetic location: 9q22.32.
Variant type: Duplication.
Coding change: c.4131_4150dup on transcript NM_000264.5 (MANE Select); coding-DNA positions 4131 to 4150, 20 bases duplicated (GACTGTCGCCGTGCACCCGC).
Protein change: p.Pro1384fs; shifts the reading frame from proline 1384.
Molecular consequence: frameshift variant. On other transcripts: non-coding transcript variant (1).
Genome position (GRCh38, 1-based): chr9:95,447,106-95,447,125, GCGGGTGCACGGCGACAGTC duplicated on the plus strand (GACTGTCGCCGTGCACCCGC on the coding strand, the reverse complement: PTCH1 is on the minus strand). VCF-style (leftmost placement, unchanged base first): chr9-95447105-G-GGCGGGTGCACGGCGACAGTC. GRCh37 (hg19) VCF-style: chr9-98209387-G-GGCGGGTGCACGGCGACAGTC.
Other names: c.3933_3952dup, p.Pro1318fs (NM_001083602.3); c.4128_4147dup, p.Pro1383fs (NM_001083603.3); c.3678_3697dup, p.Pro1233fs (NM_001083604.3, NM_001083605.3, NM_001083606.3 and 1 more transcripts); c.3975_3994dup, p.Pro1332fs (NM_001354918.2); c.4131_4150dupGACTGTCGCCGTGCACCCGC (NM_000264.3); short protein forms P1318fs, P1383fs, P1384fs, P1233fs, P1332fs.
Identifiers: ClinVar variation 4675815 (VCV004675815.1).

ClinVar aggregate classification (germline): Uncertain significance (1 of 4 stars; one submission).

Conditions:
Hereditary cancer-predisposing syndrome. Also called: Neoplastic Syndromes, Hereditary; Tumor predisposition; Hereditary Cancer Syndrome; Hereditary neoplastic syndrome. Identifiers: Orphanet 140162, MedGen C0027672, MeSH D009386, MONDO:0015356.

Submission:

Ambry Genetics
Classification: Uncertain significance for Hereditary cancer-predisposing syndrome. Last evaluated: 2025-11-04. Review status: criteria provided, single submitter. Criteria: Ambry Variant Classification Scheme 2023. Collection method: clinical testing. Allele origin: germline.
Comment: The c.4131_4150dup20 variant, located in coding exon 23 of the PTCH1 gene, results from a duplication of GACTGTCGCCGTGCACCCGC at nucleotide positions 4131-4150, causing a translational frameshift with a predicted alternate stop codon (p.P1384Rfs*75). This alteration occurs at the 3' terminus of the PTCH1 gene, is not expected to trigger nonsense-mediated mRNA decay and results in the elongation of the protein by 10 amino acids. This frameshift impacts the last 4.4% of the native protein. The exact functional effect of the altered amino acids is unknown. Based on the available evidence, the clinical significance of this variant remains unclear.